The following is an entry in ClinVar:

NM_001846.4(COL4A2):c.2332G>A (p.Gly778Arg)

Gene: COL4A2 (collagen type IV alpha 2 chain; plus strand). Cytogenetic location: 13q34.
Variant type: single nucleotide variant.
Coding change: c.2332G>A on transcript NM_001846.4 (MANE Select); coding-DNA position 2332, G replaced by A.
Protein change: p.Gly778Arg; replaces glycine 778 with arginine.
Molecular consequence: missense variant.
Genome position (GRCh38, 1-based): chr13:110,473,057, G>A. VCF-style: chr13-110473057-G-A. GRCh37 (hg19) VCF-style: chr13-111125404-G-A.
Other names: short protein forms G778R.
Identifiers: ClinVar variation 1920046 (VCV001920046.5), dbSNP rs759187657, ClinGen allele CA7049893.

ClinVar aggregate classification (germline): Uncertain significance (1 of 4 stars; one submission).

Allele frequency attached by ClinVar (database versions not stated): TOPMed below 0.00001; gnomAD exomes 0.00001; ExAC 0.00007.
gnomAD v4.1: 11 of 1,529,084 alleles (0.00072%); highest among the groups gnomAD compares: Non-Finnish European, 0.00088%; no homozygotes.

Submission:

Labcorp Genetics (formerly Invitae), Labcorp
Classification: Uncertain significance. Last evaluated: 2022-07-30. Review status: criteria provided, single submitter. Criteria: Invitae Variant Classification Sherloc (09022015). Collection method: clinical testing. Allele origin: germline.
Comment: This sequence change replaces glycine, which is neutral and non-polar, with arginine, which is basic and polar, at codon 778 of the COL4A2 protein (p.Gly778Arg). This variant is present in population databases (rs759187657, gnomAD 0.002%). This variant has not been reported in the literature in individuals affected with COL4A2-related conditions. Advanced modeling of protein sequence and biophysical properties (such as structural, functional, and spatial information, amino acid conservation, physicochemical variation, residue mobility, and thermodynamic stability) performed at Invitae indicates that this missense variant is not expected to disrupt COL4A2 protein function. In summary, the available evidence is currently insufficient to determine the role of this variant in disease. Therefore, it has been classified as a Variant of Uncertain Significance.